The following is an entry in ClinVar:

NM_024408.4(NOTCH2):c.7340G>T (p.Gly2447Val)

Gene: NOTCH2 (notch receptor 2; minus strand). Cytogenetic location: 1p12.
Variant type: single nucleotide variant.
Coding change: c.7340G>T on transcript NM_024408.4 (MANE Select); coding-DNA position 7340, G replaced by T.
Protein change: p.Gly2447Val; replaces glycine 2447 with valine.
Molecular consequence: missense variant.
Genome position (GRCh38, 1-based): chr1:119,915,382, C>A on the plus strand (G>T on the coding strand, the complement: NOTCH2 is on the minus strand). VCF-style: chr1-119915382-C-A. GRCh37 (hg19) VCF-style: chr1-120458005-C-A.
Other names: short protein forms G2447V.
Identifiers: ClinVar variation 4762539 (VCV004762539.1).
Genomic context (GRCh38, chr1:119,915,382, plus strand): 5'-ATGTTGTTGTGTGGTGGCTCAGACATGTGTGTCCCAGGTCCCCGCTGACCTCCTCCAGCA[C>A]CCCCAGGGGTAGGGCTGGTGGTCACATCTGACCAGTCAGAAGCAGAGTGGGGTGATGAAC-3'
Protein context (NP_077719.2, residues 2437-2457): SDVTTSPTPG[Gly2447Val]AGGGQRGPGT

ClinVar aggregate classification (germline): Uncertain significance (1 of 4 stars; one submission).

Conditions:
Hajdu-Cheney syndrome (HJCYS). Also called: ACROOSTEOLYSIS WITH OSTEOPOROSIS AND CHANGES IN SKULL AND MANDIBLE; SERPENTINE FIBULA-POLYCYSTIC KIDNEY SYNDROME; Acroosteolysis dominant type. Identifiers: Orphanet 955, MedGen C0917715, MONDO:0007057, OMIM 102500.

gnomAD v4.1: 1 of 1,614,010 alleles (0.000062%); highest among the groups gnomAD compares: South Asian, 0.0011%; no homozygotes.

Submission:

Labcorp Genetics (formerly Invitae), Labcorp
Classification: Uncertain significance for Hajdu-Cheney syndrome. Last evaluated: 2025-05-21. Review status: criteria provided, single submitter. Criteria: Invitae Variant Classification Sherloc (09022015). Collection method: clinical testing. Allele origin: germline.
Comment: This sequence change replaces glycine, which is neutral and non-polar, with valine, which is neutral and non-polar, at codon 2447 of the NOTCH2 protein (p.Gly2447Val). This variant is present in population databases (rs757543412, gnomAD 0.003%). This variant has not been reported in the literature in individuals affected with NOTCH2-related conditions. Invitae Evidence Modeling of protein sequence and biophysical properties (such as structural, functional, and spatial information, amino acid conservation, physicochemical variation, residue mobility, and thermodynamic stability) indicates that this missense variant is not expected to disrupt NOTCH2 protein function with a negative predictive value of 95%. In summary, the available evidence is currently insufficient to determine the role of this variant in disease. Therefore, it has been classified as a Variant of Uncertain Significance.